The following is an entry in ClinVar:

ClinVar aggregate classification (germline): Pathogenic/Likely pathogenic. Review status: criteria provided, multiple submitters, no conflicts (2 of 4 stars). 6 submissions from 6 submitters: Pathogenic (4); Likely pathogenic (2). Last evaluated 2026-01-01.

Conditions:
FGFR2-related disorder. Identifiers: MedGen CN380096.
FGFR2-related craniosynostosis. Identifiers: MedGen CN231480.
Gastric cancer. Also called: Stomach cancer; Malignant tumor of stomach. Identifiers: MedGen C0024623, MeSH D013274, MONDO:0001056, OMIM 613659, HP:0012126.
Acrocephalosyndactyly type I (ACS1). Also called: Acrocephalo-syndactyly type 1; ACS 1; Syndactylic oxycephaly; Apert syndrome. Identifiers: Orphanet 87, MedGen C0001193, MONDO:0007041, OMIM 101200.
Saethre-Chotzen syndrome (SCS). Also called: CHOTZEN SYNDROME; ACROCEPHALY, SKULL ASYMMETRY, AND MILD SYNDACTYLY; ACS III. Identifiers: Orphanet 794, MedGen C0175699, MONDO:0007042, OMIM 101400.
Familial scaphocephaly syndrome, McGillivray type. Also called: SCAPHOCEPHALY, MAXILLARY RETRUSION, AND IMPAIRED INTELLECTUAL DEVELOPMENT. Identifiers: Orphanet 168624, MedGen C1865070, MONDO:0012307, OMIM 609579.
Crouzon syndrome. Also called: Craniofacial dysostosis type 1; Crouzon craniofacial dysostosis; Crouzon disease; CRANIOFACIAL DYSOSTOSIS, TYPE I; Craniofacial dysostosis. Identifiers: Orphanet 207, MedGen C0010273, MeSH D003394, MONDO:0007405, OMIM 123500, HP:0004439.
Pfeiffer syndrome (ACS5). Also called: ACS V. Identifiers: Orphanet 710, MedGen C0220658, MONDO:0007043, OMIM 101600.
Beare-Stevenson cutis gyrata syndrome (BSTVS). Identifiers: Orphanet 1555, MedGen C1852406, MONDO:0007412, OMIM 123790.
Bent bone dysplasia syndrome 1 (BBDS1). Also called: FGFR2-related bent bone dysplasia. Identifiers: Orphanet 313855, MedGen C3281247, MONDO:0013815, OMIM 614592.
Antley-Bixler syndrome without genital anomalies or disordered steroidogenesis (ABS2). Also called: MULTISYNOSTOTIC OSTEODYSGENESIS WITH LONG BONE FRACTURES; Antley-Bixler Syndrome, Autosomal Dominant; Trapezoidocephaly synostosis syndrome; Osteodysgenesis, multisynostotic with fractures. Identifiers: Orphanet 596008, Orphanet 83, MedGen C2936791, MONDO:0020667, OMIM 207410.
Levy-Hollister syndrome (LADD). Also called: LADD syndrome. Identifiers: Orphanet 2363, MedGen C0265269, MONDO:0007872.
Jackson-Weiss syndrome (JWS). Also called: CRANIOSYNOSTOSIS, MIDFACIAL HYPOPLASIA, AND FOOT ABNORMALITIES. Identifiers: Orphanet 1540, MedGen C0795998, MONDO:0007400, OMIM 123150. Disease mechanism: loss of function.

Submissions (6):

Labcorp Genetics (formerly Invitae), Labcorp
Classification: Pathogenic for FGFR2-related craniosynostosis. Last evaluated: 2026-01-01. Review status: criteria provided, single submitter. Criteria: Invitae Variant Classification Sherloc (09022015). Collection method: clinical testing. Allele origin: germline.
Comment: This sequence change replaces glutamic acid, which is acidic and polar, with glycine, which is neutral and non-polar, at codon 565 of the FGFR2 protein (p.Glu565Gly). This variant is not present in population databases (gnomAD no frequency). This missense change has been observed in individual(s) with Pfeiffer syndrome (PMID: 11781872). It has also been observed to segregate with disease in related individuals. ClinVar contains an entry for this variant (Variation ID: 374823). Invitae Evidence Modeling of protein sequence and biophysical properties (such as structural, functional, and spatial information, amino acid conservation, physicochemical variation, residue mobility, and thermodynamic stability) indicates that this missense variant is expected to disrupt FGFR2 protein function with a positive predictive value of 80%. This variant disrupts the p.Glu565 amino acid residue in FGFR2. Other variant(s) that disrupt this residue have been determined to be pathogenic (PMID: 15523615, 18541976, 24127277). This suggests that this residue is clinically significant, and that variants that disrupt this residue are likely to be disease-causing. For these reasons, this variant has been classified as Pathogenic.

Servicio de Genética Del Instituto Nacional de Salud Del Niño, Ministerio de Salud
Classification: Pathogenic for Pfeiffer syndrome. Last evaluated: 2024-11-18. Review status: criteria provided, single submitter. Criteria: ACMG Guidelines, 2015. Collection method: clinical testing. Allele origin: germline. Inheritance: Autosomal dominant inheritance. Affected: yes.
Comment: The variant NM_000141.5:c.1694A>G (p.Glu565Gly) results in a glutamic acid-to-glycine substitution at codon 565. Based on available evidence, this variant meets the criteria for PS4, PP3, PM2, PM5, PP2, and PP5, supporting its classification as pathogenic. These criteria are based on the impact of the variant on protein function, the presence of similar pathogenic variants, and computational predictions suggesting a damaging effect.

Blueprint Genetics
Classification: Pathogenic for FGFR2-related disorders. Last evaluated: 2023-05-19. Review status: criteria provided, single submitter. Criteria: ACMG Guidelines, 2015. Collection method: clinical testing. Allele origin: de novo. Affected: yes. Observed: 2 variant alleles.

GeneDx
Classification: Pathogenic. Last evaluated: 2022-11-17. Review status: criteria provided, single submitter. Criteria: GeneDx Variant Classification Process June 2021. Collection method: clinical testing. Allele origin: germline. Affected: yes.
Comment: Not observed at significant frequency in large population cohorts (gnomAD); In silico analysis supports that this missense variant has a deleterious effect on protein structure/function; This variant is associated with the following publications: (PMID: 28166054, 23754559, 11781872, 23908597, 32139749)

Fulgent Genetics
Classification: Likely pathogenic for Acrocephalosyndactyly type I; Saethre-Chotzen syndrome; Pfeiffer syndrome; Jackson-Weiss syndrome; Crouzon syndrome; Beare-Stevenson cutis gyrata syndrome; LADD syndrome 1; Antley-Bixler syndrome without genital anomalies or disordered steroidogenesis; Familial scaphocephaly syndrome, McGillivray type; Gastric cancer; Bent bone dysplasia syndrome 1. Last evaluated: 2022-03-08. Review status: criteria provided, single submitter. Criteria: ACMG Guidelines, 2015. Collection method: clinical testing. Allele origin: unknown.

Genomic Diagnostic Laboratory, Division of Genomic Diagnostics, Children's Hospital of Philadelphia
Classification: Likely pathogenic for Pfeiffer syndrome. Last evaluated: 2016-09-17. Review status: criteria provided, single submitter. Criteria: DGD Variant Analysis Guidelines. Collection method: clinical testing. Allele origin: germline. Affected: yes. Observed: 1 variant allele.
Comment: Clinical Testing

Literature cited by the submitters: PubMed 11781872 (cited by Labcorp Genetics (formerly Invitae), Labcorp); PubMed 15523615 (cited by Labcorp Genetics (formerly Invitae), Labcorp); PubMed 18541976 (cited by Labcorp Genetics (formerly Invitae), Labcorp); PubMed 24127277 (cited by Labcorp Genetics (formerly Invitae), Labcorp).

NM_000141.5(FGFR2):c.1694A>G (p.Glu565Gly)

Gene: FGFR2 (fibroblast growth factor receptor 2; minus strand). Cytogenetic location: 10q26.13.
Variant type: single nucleotide variant.
Coding change: c.1694A>G on transcript NM_000141.5 (MANE Select); coding-DNA position 1694, A replaced by G.
Protein change: p.Glu565Gly; replaces glutamic acid 565 with glycine.
Molecular consequence: missense variant. On other transcripts: non-coding transcript variant (1).
Genome position (GRCh38, 1-based): chr10:121,496,701, T>C on the plus strand (A>G on the coding strand, the complement: FGFR2 is on the minus strand). VCF-style: chr10-121496701-T-C. GRCh37 (hg19) VCF-style: chr10-123256215-T-C.
Other names: c.1697A>G, p.Glu566Gly (NM_001144913.1, NM_022970.4); c.1358A>G, p.Glu453Gly (NM_001144914.1); c.1427A>G, p.Glu476Gly (NM_001144915.2, NM_023029.3); c.1349A>G, p.Glu450Gly (NM_001144916.2); c.1346A>G, p.Glu449Gly (NM_001144917.2); c.1343A>G, p.Glu448Gly (NM_001144918.2); c.1430A>G, p.Glu477Gly (NM_001144919.2); c.1010A>G, p.Glu337Gly (NM_001320654.2); and 1 more; short protein forms E565G, E566G, E337G, E477G, E449G, E450G, E448G, E453G.
Identifiers: ClinVar variation 374823 (VCV000374823.15), dbSNP rs121918506, ClinGen allele CA16043906.